The following is an entry in ClinVar:

NM_001370259.2(MEN1):c.269A>C (p.Tyr90Ser)

Gene: MEN1 (menin 1; minus strand). Cytogenetic location: 11q13.1.
Variant type: single nucleotide variant.
Coding change: c.269A>C on transcript NM_001370259.2 (MANE Select); coding-DNA position 269, A replaced by C.
Protein change: p.Tyr90Ser; replaces tyrosine 90 with serine.
Molecular consequence: missense variant. On other transcripts: non-coding transcript variant (4).
Genome position (GRCh38, 1-based): chr11:64,809,841, T>G on the plus strand (A>C on the coding strand, the complement: MEN1 is on the minus strand). VCF-style: chr11-64809841-T-G. GRCh37 (hg19) VCF-style: chr11-64577313-T-G.
Other names: c.269A>C, p.Tyr90Ser (NM_000244.4, NM_001370251.2, NM_001370260.2 and 20 more transcripts); short protein forms Y90S.
Identifiers: ClinVar variation 2830931 (VCV002830931.5), dbSNP rs1565651873, ClinGen allele CA381187519.
Genomic context (GRCh38, chr11:64,809,841, plus strand): 5'-CCTTCTCGAGGATAGAGGGACAGGTCGACGGCGCCTCGGATCTGGGCGGTGAAGCGGGCA[T>G]AGAGGGCGGCGATGATAGACAGGTCGGCCACGGGAAAGTAGGTGAGGCCGCCAGGCGGGT-3'
Protein context (NP_001357188.2, residues 80-100): VADLSIIAAL[Tyr90Ser]ARFTAQIRGA

ClinVar aggregate classification (germline): Uncertain significance. Review status: criteria provided, multiple submitters, no conflicts (2 of 4 stars). 2 submissions from 2 submitters: Uncertain significance (2). Last evaluated 2026-08-28.

Conditions:
Multiple endocrine neoplasia, type 1 (MEN1). Also called: MEA I; MEN I; WERMER SYNDROME; Endocrine adenomatosis multiple; MEN 1. Identifiers: Orphanet 652, MedGen C0025267, MeSH D018761, MONDO:0007540, OMIM 131100.
Hereditary cancer-predisposing syndrome. Also called: Hereditary Cancer Syndrome; Hereditary neoplastic syndrome; Neoplastic Syndromes, Hereditary; Tumor predisposition. Identifiers: Orphanet 140162, MedGen C0027672, MeSH D009386, MONDO:0015356.

Submissions (2):

Ambry Genetics
Classification: Uncertain significance for Hereditary cancer-predisposing syndrome. Last evaluated: 2026-08-28. Review status: criteria provided, single submitter. Criteria: Ambry Variant Classification Scheme 2023. Collection method: clinical testing. Allele origin: germline.
Comment: The p.Y90S variant (also known as c.269A>C), located in coding exon 1 of the MEN1 gene, results from an A to C substitution at nucleotide position 269. The tyrosine at codon 90 is replaced by serine, an amino acid with dissimilar properties. This amino acid position is conserved. In addition, this alteration is predicted to be deleterious by in silico analysis. Based on the available evidence, the clinical significance of this variant remains unclear.

Labcorp Genetics (formerly Invitae), Labcorp
Classification: Uncertain significance for Multiple endocrine neoplasia, type 1. Last evaluated: 2025-02-26. Review status: criteria provided, single submitter. Criteria: Invitae Variant Classification Sherloc (09022015). Collection method: clinical testing. Allele origin: germline.
Comment: This sequence change replaces tyrosine, which is neutral and polar, with serine, which is neutral and polar, at codon 90 of the MEN1 protein (p.Tyr90Ser). This variant is not present in population databases (gnomAD no frequency). This variant has not been reported in the literature in individuals affected with MEN1-related conditions. ClinVar contains an entry for this variant (Variation ID: 2830931). Invitae Evidence Modeling of protein sequence and biophysical properties (such as structural, functional, and spatial information, amino acid conservation, physicochemical variation, residue mobility, and thermodynamic stability) indicates that this missense variant is expected to disrupt MEN1 protein function with a positive predictive value of 95%. In summary, the available evidence is currently insufficient to determine the role of this variant in disease. Therefore, it has been classified as a Variant of Uncertain Significance.